The following is an entry in ClinVar:

NM_005720.4(ARPC1B):c.1091C>T (p.Ser364Leu)

Gene: ARPC1B (actin related protein 2/3 complex subunit 1B; plus strand). Cytogenetic location: 7q22.1.
Variant type: single nucleotide variant.
Coding change: c.1091C>T on transcript NM_005720.4 (MANE Select); coding-DNA position 1091, C replaced by T.
Protein change: p.Ser364Leu; replaces serine 364 with leucine.
Molecular consequence: missense variant.
Genome position (GRCh38, 1-based): chr7:99,394,461, C>T. VCF-style: chr7-99394461-C-T. GRCh37 (hg19) VCF-style: chr7-98992084-C-T.
Other names: p.Ser364Leu; c.1091C>T (NM_005720.3); short protein forms S364L.
Identifiers: ClinVar variation 1630247 (VCV001630247.36), dbSNP rs144187782, ClinGen allele CA4364239.

ClinVar aggregate classification (germline): Conflicting classifications of pathogenicity. Review status: criteria provided, conflicting classifications (1 of 4 stars). 6 submissions from 6 submitters: Uncertain significance (1); Likely benign (4). 1 of the submissions does not count toward it. Last evaluated 2026-01-27.

Conditions:
ARPC1B-related disorder. Also called: ARPC1B-related condition.
Platelet abnormalities with eosinophilia and immune-mediated inflammatory disease. Also called: IMMUNODEFICIENCY 71 WITH INFLAMMATORY DISEASE AND CONGENITAL THROMBOCYTOPENIA. Identifiers: MedGen C4540232, MONDO:0060583, OMIM 617718.

Allele frequency attached by ClinVar (database versions not stated): 1000 Genomes Project 30x 0.00047; 1000 Genomes Project 0.00060; ExAC 0.00151; gnomAD exomes 0.00155 and 0.00289; TOPMed 0.00175; gnomAD 0.00208 and 0.00211; ESP Exome Variant Server 0.00246.
gnomAD v4.1: 4,546 of 1,613,946 alleles (0.28%); highest among the groups gnomAD compares: Non-Finnish European, 0.35%; 9 homozygotes.

Submissions (6):

Labcorp Genetics (formerly Invitae), Labcorp
Classification: Likely benign. Last evaluated: 2026-01-27. Review status: criteria provided, single submitter. Criteria: Invitae Variant Classification Sherloc (09022015). Collection method: clinical testing. Allele origin: germline.

Mayo Clinic Laboratories, Mayo Clinic
Classification: Likely benign. Last evaluated: 2025-02-13. Review status: criteria provided, single submitter. Criteria: ACMG Guidelines, 2015. Collection method: clinical testing. Allele origin: germline. Observed: 10 variant alleles.
Comment: BS1, BP4

Blueprint Genetics
Classification: Likely benign. Last evaluated: 2024-10-28. Review status: criteria provided, single submitter. Criteria: ACMG Guidelines, 2015. Collection method: clinical testing. Allele origin: germline.

CeGaT Center for Human Genetics Tuebingen
Classification: Likely benign. Last evaluated: 2024-05-01. Review status: criteria provided, single submitter. Criteria: CeGaT Center For Human Genetics Tuebingen Variant Classification Criteria Version 2. Collection method: clinical testing. Allele origin: germline. Affected: yes. Observed: 2 variant alleles.
Comment: ARPC1B: BS2

Center for Genomics, Ann and Robert H. Lurie Children's Hospital of Chicago
Classification: Uncertain significance for Platelet abnormalities with eosinophilia and immune-mediated inflammatory disease. Last evaluated: 2021-12-21. Review status: criteria provided, single submitter. Criteria: ACMG Guidelines, 2015. Collection method: clinical testing. Allele origin: germline.
Comment: ARPC1B NM_005720.3 exon 10 p.Ser364Leu (c.1091C>T):This variant has not been reported in the literature but is present in 0.3% (252/68022) of European alleles in the Genome Aggregation Database. Evolutionary conservation suggests that this variant may impact the protein; computational predictive tools for this variant are unclear. In summary, data on this variant is insufficient for disease classification. Therefore, the clinical significance of this variant is uncertain

PreventionGenetics, part of Exact Sciences
Classification: Likely benign for ARPC1B-related condition. Last evaluated: 2021-06-16. Review status: no assertion criteria provided. Collection method: clinical testing. Allele origin: germline. Not counted in ClinVar's aggregate classification.
Comment: This variant is classified as likely benign based on ACMG/AMP sequence variant interpretation guidelines (Richards et al. 2015 PMID: 25741868, with internal and published modifications).